The following is an entry in ClinVar:

ClinVar aggregate classification (germline): Uncertain significance (1 of 4 stars; one submission).

Allele frequency attached by ClinVar (database versions not stated): gnomAD 0.00001; TOPMed 0.00001; ExAC 0.00002; gnomAD exomes 0.00002.
gnomAD v4.1: 27 of 1,610,376 alleles (0.0017%); highest among the groups gnomAD compares: Admixed American, 0.005%; no homozygotes.

Submission:

Labcorp Genetics (formerly Invitae), Labcorp
Classification: Uncertain significance. Last evaluated: 2024-01-05. Review status: criteria provided, single submitter. Criteria: Invitae Variant Classification Sherloc (09022015). Collection method: clinical testing. Allele origin: germline.
Comment: This sequence change replaces arginine, which is basic and polar, with tryptophan, which is neutral and slightly polar, at codon 755 of the ABCC8 protein (p.Arg755Trp). This variant is present in population databases (rs748413285, gnomAD 0.006%). This missense change has been observed in individual(s) with autosomal dominant ABCC8-related conditions (Invitae). This variant is also known as p.Arg756Trp. Advanced modeling of protein sequence and biophysical properties (such as structural, functional, and spatial information, amino acid conservation, physicochemical variation, residue mobility, and thermodynamic stability) has been performed at Invitae for this missense variant, however the output from this modeling did not meet the statistical confidence thresholds required to predict the impact of this variant on ABCC8 protein function. In summary, the available evidence is currently insufficient to determine the role of this variant in disease. Therefore, it has been classified as a Variant of Uncertain Significance.

NM_000352.6(ABCC8):c.2263C>T (p.Arg755Trp)

Gene: ABCC8 (ATP binding cassette subfamily C member 8; minus strand). Cytogenetic location: 11p15.1.
Variant type: single nucleotide variant.
Coding change: c.2263C>T on transcript NM_000352.6 (MANE Select); coding-DNA position 2263, C replaced by T.
Protein change: p.Arg755Trp; replaces arginine 755 with tryptophan.
Molecular consequence: missense variant. On other transcripts: non-coding transcript variant (1).
Genome position (GRCh38, 1-based): chr11:17,415,332, G>A on the plus strand (C>T on the coding strand, the complement: ABCC8 is on the minus strand). VCF-style: chr11-17415332-G-A. GRCh37 (hg19) VCF-style: chr11-17436879-G-A.
Other names: c.2266C>T, p.Arg756Trp (NM_001287174.3); c.2329C>T, p.Arg777Trp (NM_001351295.2); c.2263C>T, p.Arg755Trp (NM_001351296.2); c.2260C>T, p.Arg754Trp (NM_001351297.2); short protein forms R755W, R754W, R777W, R756W.
Identifiers: ClinVar variation 2898218 (VCV002898218.2), dbSNP rs748413285, ClinGen allele CA5903233.